The following is an entry in ClinVar:

NM_000051.4(ATM):c.7852A>C (p.Arg2618=)

Genes: ATM (ATM serine/threonine kinase; plus strand), C11orf65 (chromosome 11 open reading frame 65; minus strand). Cytogenetic location: 11q22.3.
Variant type: single nucleotide variant.
Coding change: c.7852A>C on transcript NM_000051.4 (MANE Select); coding-DNA position 7852, A replaced by C.
Protein change: p.Arg2618=; no amino-acid change (arginine 2618 retained).
Molecular consequence: synonymous variant. On other transcripts: intron variant (2).
Genome position (GRCh38, 1-based): chr11:108,332,825, A>C. VCF-style: chr11-108332825-A-C. GRCh37 (hg19) VCF-style: chr11-108203552-A-C.
Other names: c.7852A>C, p.Arg2618= (NM_001351834.2); c.641-23754T>G (NM_001330368.2); c.*38+2395T>G (NM_001351110.2).
Identifiers: ClinVar variation 381834 (VCV000381834.6), dbSNP rs1057521185, ClinGen allele CA16605831.

ClinVar aggregate classification (germline): Benign/Likely benign. Review status: criteria provided, multiple submitters, no conflicts (2 of 4 stars). 3 submissions from 3 submitters: Benign (1); Likely benign (2). Last evaluated 2024-06-17.

Conditions:
Hereditary cancer-predisposing syndrome. Also called: Neoplastic Syndromes, Hereditary; Hereditary neoplastic syndrome; Hereditary Cancer Syndrome; Tumor predisposition. Identifiers: Orphanet 140162, MedGen C0027672, MeSH D009386, MONDO:0015356.
Familial cancer of breast. Also called: hereditary breast carcinoma; Hereditary breast cancer; BREAST CANCER, FAMILIAL. Identifiers: Orphanet 227535, MedGen C0346153, MONDO:0016419, OMIM 114480. Disease mechanism: loss of function.

Allele frequency attached by ClinVar (database versions not stated): TOPMed below 0.00001.

Submissions (3):

Myriad Genetics, Inc.
Classification: Benign for Familial cancer of breast. Last evaluated: 2024-06-17. Review status: criteria provided, single submitter. Criteria: Myriad Autosomal Dominant, Autosomal Recessive and X-Linked Classification Criteria (2023). Collection method: clinical testing. Allele origin: unknown.
Comment: This variant is considered benign. This variant is a silent/synonymous amino acid change and it is not expected to impact splicing.

Ambry Genetics
Classification: Likely benign for Hereditary cancer-predisposing syndrome. Last evaluated: 2022-05-17. Review status: criteria provided, single submitter. Criteria: Ambry Variant Classification Scheme 2023. Collection method: clinical testing. Allele origin: germline.

GeneDx
Classification: Likely benign. Last evaluated: 2015-11-24. Review status: criteria provided, single submitter. Criteria: GeneDx Variant Classification (06012015). Collection method: clinical testing. Allele origin: germline. Affected: yes.
Comment: This variant is considered likely benign or benign based on one or more of the following criteria: it is a conservative change, it occurs at a poorly conserved position in the protein, it is predicted to be benign by multiple in silico algorithms, and/or has population frequency not consistent with disease.